The following is an entry in ClinVar:

ClinVar aggregate classification (germline): Likely benign (0 of 4 stars; one submission).

Conditions:
GK-related disorder. Also called: GK-related condition.

Submission:

PreventionGenetics, part of Exact Sciences
Classification: Likely benign for GK-related condition. Last evaluated: 2023-03-02. Review status: no assertion criteria provided. Collection method: clinical testing. Allele origin: germline.
Comment: This variant is classified as likely benign based on ACMG/AMP sequence variant interpretation guidelines (Richards et al. 2015 PMID: 25741868, with internal and published modifications).

NM_001205019.2(GK):c.259+1257G>A

Gene: GK (glycerol kinase; plus strand). Cytogenetic location: Xp21.2.
Variant type: single nucleotide variant.
Coding change: c.259+1257G>A on transcript NM_001205019.2 (MANE Select); 1257 bases into the intron after coding-DNA position 259, G replaced by A.
Molecular consequence: intron variant.
Genome position (GRCh38, 1-based): chrX:30,669,375, G>A. VCF-style: chrX-30669375-G-A. GRCh37 (hg19) VCF-style: chrX-30687492-G-A.
Other names: c.259+1257G>A (NM_001399987.1, NM_203391.4, NM_001128127.3 and 1 more transcripts).
Identifiers: ClinVar variation 3052990 (VCV003052990.2), dbSNP rs2519217333, ClinGen allele CA2740092080.